The following is an entry in ClinVar:

ClinVar aggregate classification (germline): Likely benign (1 of 4 stars; one submission).

Allele frequency attached by ClinVar (database versions not stated): gnomAD exomes 0.00002.

Submission:

CeGaT Center for Human Genetics Tuebingen
Classification: Likely benign. Last evaluated: 2023-02-01. Review status: criteria provided, single submitter. Criteria: CeGaT Center For Human Genetics Tuebingen Variant Classification Criteria Version 2. Collection method: clinical testing. Allele origin: germline. Affected: yes. Observed: 1 variant allele.
Comment: TBC1D3F: BP4, BS2; TBC1D3G: BP4, BS2

NM_032258.5(TBC1D3F):c.1196G>A (p.Arg399Gln)

Genes: TBC1D3F (TBC1 domain family member 3F; minus strand), TBC1D3G (TBC1 domain family member 3G). Cytogenetic location: 17q12.
Variant type: single nucleotide variant.
Coding change: c.1196G>A on transcript NM_032258.5; coding-DNA position 1196, G replaced by A.
Protein change: p.Arg399Gln; replaces arginine 399 with glutamine.
Molecular consequence: missense variant.
Genome position (GRCh38, 1-based): chr17:36,429,382, C>T on the plus strand (G>A on the coding strand, the complement: TBC1D3F is on the minus strand). VCF-style: chr17-36429382-C-T. GRCh37 (hg19) VCF-style: chr17-34797940-C-T.
Other names: short protein forms R399Q.
Identifiers: ClinVar variation 2647690 (VCV002647690.24), dbSNP rs1244763644, ClinGen allele CA399255454.